The following is an entry in ClinVar:

ClinVar aggregate classification (germline): Pathogenic (1 of 4 stars; one submission).

Submission:

Labcorp Genetics (formerly Invitae), Labcorp
Classification: Pathogenic. Last evaluated: 2023-09-20. Review status: criteria provided, single submitter. Criteria: Invitae Variant Classification Sherloc (09022015). Collection method: clinical testing. Allele origin: germline.
Comment: For these reasons, this variant has been classified as Pathogenic. This variant has not been reported in the literature in individuals affected with STAG2-related conditions. This variant is not present in population databases (gnomAD no frequency). This sequence change creates a premature translational stop signal (p.Val767Aspfs*10) in the STAG2 gene. It is expected to result in an absent or disrupted protein product. Loss-of-function variants in STAG2 are known to be pathogenic (PMID: 28296084).

Literature cited by the submitters: PubMed 28296084.

NM_001042750.2(STAG2):c.2300del (p.Val767fs)

Gene: STAG2 (STAG2 cohesin complex component; plus strand). Cytogenetic location: Xq25.
Variant type: Deletion.
Coding change: c.2300del on transcript NM_001042750.2 (MANE Select); coding-DNA position 2300, one base deleted (T; older notation c.2300delT).
Protein change: p.Val767fs; shifts the reading frame from valine 767.
Molecular consequence: frameshift variant.
Genome position (GRCh38, 1-based): chrX:124,068,598, T deleted. VCF-style (leftmost placement, unchanged base first): chrX-124068597-GT-G. GRCh37 (hg19) VCF-style: chrX-123202447-GT-G.
Other names: c.2300del, p.Val767fs (NM_001042749.2, NM_001042751.2, NM_001282418.2 and 13 more transcripts); short protein forms V767fs.
Identifiers: ClinVar variation 2762142 (VCV002762142.3), dbSNP rs2521963688, ClinGen allele CA2697544751.